The following is an entry in ClinVar:

NM_007055.4(POLR3A):c.2163C>A (p.Tyr721Ter)

Gene: POLR3A (RNA polymerase III subunit A; minus strand). Cytogenetic location: 10q22.3.
Variant type: single nucleotide variant.
Coding change: c.2163C>A on transcript NM_007055.4 (MANE Select); coding-DNA position 2163, C replaced by A.
Protein change: p.Tyr721Ter; replaces tyrosine 721 with a stop codon.
Molecular consequence: nonsense.
Genome position (GRCh38, 1-based): chr10:78,004,800, G>T on the plus strand (C>A on the coding strand, the complement: POLR3A is on the minus strand). VCF-style: chr10-78004800-G-T. GRCh37 (hg19) VCF-style: chr10-79764558-G-T.
Other names: short protein forms Y721*.
Identifiers: ClinVar variation 1455738 (VCV001455738.6), dbSNP rs2131945763, ClinGen allele CA377338273.

ClinVar aggregate classification (germline): Pathogenic (1 of 4 stars; one submission).

Submission:

Labcorp Genetics (formerly Invitae), Labcorp
Classification: Pathogenic. Last evaluated: 2022-07-06. Review status: criteria provided, single submitter. Criteria: Invitae Variant Classification Sherloc (09022015). Collection method: clinical testing. Allele origin: germline.
Comment: For these reasons, this variant has been classified as Pathogenic. ClinVar contains an entry for this variant (Variation ID: 1455738). This variant has not been reported in the literature in individuals affected with POLR3A-related conditions. This variant is not present in population databases (gnomAD no frequency). This sequence change creates a premature translational stop signal (p.Tyr721*) in the POLR3A gene. It is expected to result in an absent or disrupted protein product. Loss-of-function variants in POLR3A are known to be pathogenic (PMID: 21855841, 25339210, 27612211, 30414627, 30450527).

Literature cited by the submitters: PubMed 21855841; PubMed 25339210; PubMed 27612211; PubMed 30414627; PubMed 30450527.